The following is an entry in ClinVar:

NM_020778.5(ALPK3):c.831C>A (p.Asn277Lys)

Gene: ALPK3 (alpha kinase 3; plus strand). Cytogenetic location: 15q25.3.
Variant type: single nucleotide variant.
Coding change: c.831C>A on transcript NM_020778.5 (MANE Select); coding-DNA position 831, C replaced by A.
Protein change: p.Asn277Lys; replaces asparagine 277 with lysine.
Molecular consequence: missense variant.
Genome position (GRCh38, 1-based): chr15:84,840,110, C>A. VCF-style: chr15-84840110-C-A. GRCh37 (hg19) VCF-style: chr15-85383341-C-A.
Other names: short protein forms N277K.
Identifiers: ClinVar variation 1805455 (VCV001805455.1), dbSNP rs1381829636, ClinGen allele CA393373593.

ClinVar aggregate classification (germline): Uncertain significance (1 of 4 stars; one submission).

Conditions:
Cardiomyopathy, familial hypertrophic 27. Identifiers: MedGen C4748014, MONDO:0054838, OMIM 618052.

Submission:

Victorian Clinical Genetics Services, Murdoch Childrens Research Institute
Classification: Uncertain significance for Cardiomyopathy, familial hypertrophic 27. Last evaluated: 2022-03-31. Review status: criteria provided, single submitter. Criteria: ACMG Guidelines, 2015. Collection method: clinical testing. Allele origin: germline. Inheritance: Autosomal recessive inheritance. Affected: yes.
Comment: Based on the classification scheme VCGS_Germline_v1.3.4, this variant is classified as VUS-3B. Following criteria are met: 0102 - Loss of function is a known mechanism of disease in this gene and is associated with familial hypertrophic cardiomyopathy 27 (MIM#618052). (I) 0106 - This gene is associated with autosomal recessive disease. However, there is emerging evidence of autosomal dominant disease with incomplete penetrance (PMID: 32480058, PMID: 34263907). (I) 0200 - Variant is predicted to result in a missense amino acid change from asparagine to lysine. (I) 0251 - This variant is heterozygous. (I) 0301 - Variant is absent from gnomAD (both v2 and v3). (SP) 0502 - Missense variant with conflicting in silico predictions and uninformative conservation. (I) 0604 - Variant is not located in an established domain, motif, hotspot or informative constraint region. (I) 0705 - No comparable missense variants have previous evidence for pathogenicity. (I) 0807 - This variant has no previous evidence of pathogenicity. (I) 0905 - No published segregation evidence has been identified for this variant. (I) 1007 - No published functional evidence has been identified for this variant. (I) 1208 - Inheritance information for this variant is not currently available in this individual. (I) Legend: (SP) - Supporting pathogenic, (I) - Information, (SB) - Supporting benign

Literature cited by the submitters: PubMed 32480058; PubMed 34263907.